The following is an entry in ClinVar:

NM_133259.4(LRPPRC):c.864+2T>C

Gene: LRPPRC (leucine rich pentatricopeptide repeat containing; minus strand). Cytogenetic location: 2p21.
Variant type: single nucleotide variant.
Coding change: c.864+2T>C on transcript NM_133259.4 (MANE Select); the canonical splice donor site of the intron after coding-DNA position 864, T replaced by C.
Molecular consequence: splice donor variant.
Genome position (GRCh38, 1-based): chr2:43,975,089, A>G on the plus strand (T>C on the coding strand, the complement: LRPPRC is on the minus strand). VCF-style: chr2-43975089-A-G. GRCh37 (hg19) VCF-style: chr2-44202228-A-G.
Identifiers: ClinVar variation 214601 (VCV000214601.11), dbSNP rs863224053, ClinGen allele CA321815.

ClinVar aggregate classification (germline): Conflicting classifications of pathogenicity. Review status: criteria provided, conflicting classifications (1 of 4 stars). 3 submissions from 3 submitters: Pathogenic (1); Likely pathogenic (1); Uncertain significance (1). Last evaluated 2026-09-24.

Conditions:
Congenital lactic acidosis, Saguenay-Lac-Saint-Jean type (MC4DN5). Also called: MITOCHONDRIAL COMPLEX IV DEFICIENCY, NUCLEAR TYPE 5; CYTOCHROME c OXIDASE DEFICIENCY, FRENCH CANADIAN TYPE; COX DEFICIENCY, FRENCH CANADIAN TYPE. Identifiers: Orphanet 70472, MedGen C1857355, MONDO:0009069, OMIM 220111.

Allele frequency attached by ClinVar (database versions not stated): gnomAD 0.00001; TOPMed 0.00001.
gnomAD v4.1: 2 of 1,612,382 alleles (0.00012%); highest among the groups gnomAD compares: African/African-American, 0.0027%; no homozygotes.

Submissions (3):

GeneDx
Classification: Uncertain significance. Last evaluated: 2026-09-24. Review status: criteria provided, single submitter. Criteria: GeneDx Variant Classification Process June 2021. Collection method: clinical testing. Allele origin: germline.
Comment: Not observed at significant frequency in large population cohorts (gnomAD); Has not been previously published as pathogenic or benign to our knowledge; In silico analysis is inconclusive as to whether the variant alters gene splicing. In the absence of RNA/functional studies, the actual effect of this sequence change is unknown.

Labcorp Genetics (formerly Invitae), Labcorp
Classification: Likely pathogenic. Last evaluated: 2023-11-02. Review status: criteria provided, single submitter. Criteria: Invitae Variant Classification Sherloc (09022015). Collection method: clinical testing. Allele origin: germline.
Comment: This sequence change affects a donor splice site in intron 7 of the LRPPRC gene. It is expected to disrupt RNA splicing. Variants that disrupt the donor or acceptor splice site typically lead to a loss of protein function (PMID: 16199547), and loss-of-function variants in LRPPRC are known to be pathogenic (PMID: 26510951). This variant is not present in population databases (gnomAD no frequency). This variant has not been reported in the literature in individuals affected with LRPPRC-related conditions. ClinVar contains an entry for this variant (Variation ID: 214601). Algorithms developed to predict the effect of sequence changes on RNA splicing suggest that this variant may disrupt the consensus splice site. In summary, the currently available evidence indicates that the variant is pathogenic, but additional data are needed to prove that conclusively. Therefore, this variant has been classified as Likely Pathogenic.

Baylor Genetics
Classification: Pathogenic for Congenital lactic acidosis, Saguenay-Lac-Saint-Jean type. Last evaluated: 2023-04-16. Review status: criteria provided, single submitter. Criteria: ACMG Guidelines, 2015. Collection method: clinical testing. Allele origin: unknown.

Literature cited by the submitters: PubMed 16199547 (cited by Labcorp Genetics (formerly Invitae), Labcorp); PubMed 26510951 (cited by Labcorp Genetics (formerly Invitae), Labcorp).